The following is an entry in ClinVar:

NM_001085481.3(MAP1LC3B2):c.-18G>C

Gene: MAP1LC3B2 (microtubule associated protein 1 light chain 3 beta 2; plus strand). Cytogenetic location: 12q24.22.
Variant type: single nucleotide variant.
Coding change: c.-18G>C on transcript NM_001085481.3 (MANE Select); 18 bases upstream of the start codon, G replaced by C.
Molecular consequence: 5 prime UTR variant.
Genome position (GRCh38, 1-based): chr12:116,575,925, G>C. VCF-style: chr12-116575925-G-C. GRCh37 (hg19) VCF-style: chr12-117013730-G-C.
Identifiers: ClinVar variation 2688029 (VCV002688029.2), dbSNP rs7303998, ClinGen allele CA6812000.

ClinVar aggregate classification (germline): Benign (1 of 4 stars; one submission).

Allele frequency attached by ClinVar (database versions not stated): 1000 Genomes Project 0.52177; TOPMed 0.60884; ESP Exome Variant Server 0.66300.
gnomAD v4.1: 1,085,189 of 1,613,678 alleles (67%); highest among the groups gnomAD compares: Non-Finnish European, 72%; 373,536 homozygotes.

Submission:

Unidad de Genómica Garrahan, Hospital de Pediatría Garrahan
Classification: Benign. Last evaluated: 2024-01-24. Review status: criteria provided, single submitter. Criteria: ACMG Guidelines, 2015. Collection method: clinical testing. Allele origin: germline. Affected: no. Observed: 64 variant alleles.
Comment: This variant is classified as Benign based on local population frequency. This variant was detected in 67% of patients studied by a panel of primary immunodeficiencies. Number of patients: 64. Only high quality variants are reported.